The following is an entry in ClinVar:

NM_001164508.2(NEB):c.3365C>A (p.Ser1122Ter)

Gene: NEB (nebulin; minus strand). Cytogenetic location: 2q23.3.
Variant type: single nucleotide variant.
Coding change: c.3365C>A on transcript NM_001164508.2 (MANE Select); coding-DNA position 3365, C replaced by A.
Protein change: p.Ser1122Ter; replaces serine 1122 with a stop codon.
Molecular consequence: nonsense.
Genome position (GRCh38, 1-based): chr2:151,678,078, G>T on the plus strand (C>A on the coding strand, the complement: NEB is on the minus strand). VCF-style: chr2-151678078-G-T. GRCh37 (hg19) VCF-style: chr2-152534592-G-T.
Other names: c.3365C>A, p.Ser1122Ter (NM_001164507.2, NM_001271208.2, NM_004543.5); short protein forms S1122*.
Identifiers: ClinVar variation 5006096 (VCV005006096.3).

ClinVar aggregate classification (germline): Pathogenic/Likely pathogenic. Review status: criteria provided, multiple submitters, no conflicts (2 of 4 stars). 2 submissions from 2 submitters: Pathogenic (1); Likely pathogenic (1). Last evaluated 2024-07-25.

Conditions:
Arthrogryposis multiplex congenita 6. Identifiers: MedGen C5543431, MONDO:0030281, OMIM 619334.
Nemaline myopathy 2 (NEM2). Also called: Nemaline myopathy 2, autosomal recessive. Identifiers: MedGen C1850569, MONDO:0009725, OMIM 256030.

Submissions (2):

Myriad Genetics, Inc.
Classification: Pathogenic for Nemaline myopathy 2. Last evaluated: 2024-07-25. Review status: criteria provided, single submitter. Criteria: Myriad Autosomal Dominant, Autosomal Recessive and X-Linked Classification Criteria (2023). Collection method: clinical testing. Allele origin: unknown.
Comment: NM_001271208.1(NEB):c.3365C>A(S1122*) is expected to be pathogenic in the context of NEB-related nemaline myopathy. This variant is predicted to lead to an abnormal or absent protein product due to the creation of a premature termination codon in NEB, a gene where loss-of-function variants are known to be pathogenic. Please note: this variant was assessed in the context of healthy population screening.

Juno Genomics, Hangzhou Juno Genomics, Inc
Classification: Likely pathogenic for Arthrogryposis multiplex congenita 6; Nemaline myopathy 2. Review status: criteria provided, single submitter. Criteria: ACMG Guidelines, 2015. Collection method: clinical testing. Allele origin: germline.
Comment: Null variant in a gene where loss of function (LOF) is a known mechanism of disease.;Absent from controls (or at extremely low frequency if recessive) in Genome Aggregation Database.